The following is an entry in ClinVar:

ClinVar aggregate classification (germline): Benign. Review status: criteria provided, multiple submitters, no conflicts (2 of 4 stars). 4 submissions from 4 submitters: Benign (3). 1 of the submissions does not count toward it. Last evaluated 2026-02-04.

Conditions:
KMT2B-related disorder. Also called: KMT2B-related condition; KMT2B-related disorders. Identifiers: MedGen CN381338.

Allele frequency attached by ClinVar (database versions not stated): ESP Exome Variant Server 0.08778; TOPMed 0.09791; gnomAD exomes 0.10500 and 0.11128; 1000 Genomes Project 0.10503; 1000 Genomes Project 30x 0.10681; gnomAD 0.10726 and 0.10819; ExAC 0.13103.
gnomAD v4.1: 168,502 of 1,608,286 alleles (10%); highest among the groups gnomAD compares: South Asian, 11%; 9,345 homozygotes.

Submissions (4):

Labcorp Genetics (formerly Invitae), Labcorp
Classification: Benign. Last evaluated: 2026-02-04. Review status: criteria provided, single submitter. Criteria: Invitae Variant Classification Sherloc (09022015). Collection method: clinical testing. Allele origin: germline.

GeneDx
Classification: Benign. Last evaluated: 2018-09-11. Review status: criteria provided, single submitter. Criteria: GeneDx Variant Classification Process June 2021. Collection method: clinical testing. Allele origin: germline. Affected: yes.

Breakthrough Genomics
Classification: Benign. Review status: criteria provided, single submitter. Criteria: ACMG Guidelines, 2015. Collection method: not provided. Allele origin: germline. Inheritance: Autosomal dominant inheritance. Affected: yes.

PreventionGenetics, part of Exact Sciences
Classification: Benign for KMT2B-related condition. Last evaluated: 2019-10-28. Review status: no assertion criteria provided. Collection method: clinical testing. Allele origin: germline. Not counted in ClinVar's aggregate classification.
Comment: This variant is classified as benign based on ACMG/AMP sequence variant interpretation guidelines (Richards et al. 2015 PMID: 25741868, with internal and published modifications).

NM_014727.3(KMT2B):c.6297A>G (p.Ala2099=)

Gene: KMT2B (lysine methyltransferase 2B; plus strand). Cytogenetic location: 19q13.12.
Variant type: single nucleotide variant.
Coding change: c.6297A>G on transcript NM_014727.3 (MANE Select); coding-DNA position 6297, A replaced by G.
Protein change: p.Ala2099=; no amino-acid change (alanine 2099 retained).
Molecular consequence: synonymous variant.
Genome position (GRCh38, 1-based): chr19:35,732,846, A>G. VCF-style: chr19-35732846-A-G. GRCh37 (hg19) VCF-style: chr19-36223747-A-G.
Identifiers: ClinVar variation 1227002 (VCV001227002.14), dbSNP rs73590585, ClinGen allele CA9385658.